The following is an entry in ClinVar:

NM_003970.4(MYOM2):c.3612T>C (p.Asp1204=)

Gene: MYOM2 (myomesin 2; plus strand). Cytogenetic location: 8p23.3.
Variant type: single nucleotide variant.
Coding change: c.3612T>C on transcript NM_003970.4 (MANE Select); coding-DNA position 3612, T replaced by C.
Protein change: p.Asp1204=; no amino-acid change (aspartic acid 1204 retained).
Molecular consequence: synonymous variant.
Genome position (GRCh38, 1-based): chr8:2,123,599, T>C. VCF-style: chr8-2123599-T-C. GRCh37 (hg19) VCF-style: chr8-2071472-T-C.
Identifiers: ClinVar variation 3059210 (VCV003059210.2), dbSNP rs34025654, ClinGen allele CA170462681.

ClinVar aggregate classification (germline): Benign (0 of 4 stars; one submission).

Conditions:
MYOM2-related disorder. Also called: MYOM2-related condition.

Allele frequency attached by ClinVar (database versions not stated): 1000 Genomes Project 30x 0.01327; 1000 Genomes Project 0.01358; TOPMed 0.02317; gnomAD 0.02451; ESP Exome Variant Server 0.02491; ExAC 0.02634; gnomAD exomes 0.03239.
gnomAD v4.1: 50,995 of 1,612,888 alleles (3.2%); highest among the groups gnomAD compares: Non-Finnish European, 3.6%; 936 homozygotes.

Submission:

PreventionGenetics, part of Exact Sciences
Classification: Benign for MYOM2-related condition. Last evaluated: 2019-02-22. Review status: no assertion criteria provided. Collection method: clinical testing. Allele origin: germline.
Comment: This variant is classified as benign based on ACMG/AMP sequence variant interpretation guidelines (Richards et al. 2015 PMID: 25741868, with internal and published modifications).